The following is an entry in ClinVar:

ClinVar aggregate classification (germline): Uncertain significance. Review status: reviewed by expert panel (3 of 4 stars). 2 submissions from 2 submitters: Uncertain significance (1). 1 of the submissions does not count toward it. Last evaluated 2026-03-26.

Conditions:
Severe combined immunodeficiency, autosomal recessive, T cell-negative, B cell-negative, NK cell-negative, due to adenosine deaminase deficiency. Also called: ADA-SCID; SCID DUE TO ADA DEFICIENCY; SCID DUE TO ADA DEFICIENCY, EARLY-ONSET; ADA deficiency; Adenosine deaminase deficient severe combined immunodeficiency; Severe combined immunodeficiency due to ADA deficiency. Identifiers: Orphanet 277, MedGen C0392607, MONDO:0007064, OMIM 102700.
Severe combined immunodeficiency disease. Also called: Severe combined immunodeficiency; Severe Combined Immune Deficiency. Identifiers: Orphanet 183660, MedGen C0085110, MeSH D016511, MONDO:0015974, HP:0004430. Inheritance: X-Linked or Autosomal recessive.

Submissions (2):

ClinGen Severe Combined Immunodeficiency Variant Curation Expert Panel, ClinGen
Classification: Uncertain significance for Severe combined immunodeficiency disease. Last evaluated: 2026-03-26. Review status: reviewed by expert panel. Criteria: ClinGen SCID ACMG Specifications ADA V2.1.0. Collection method: curation. Allele origin: germline. Inheritance: Autosomal recessive inheritance.
Comment: The NM_000022.4(ADA):c.2T>G is a missense variant predicted to cause substitution of Methionine by Arginine at amino acid 1 (p.Met1Arg). This sequence change affects the initiator methionine of the ADA mRNA. The next possible initiation codon is at codon 52. This variant is absent from gnomAD v4.1.0, good coverage (PM2_supporting). The NM_000022.4:c.2T>G variant in ADA may cause a truncated or absent protein by altering the start codon of the coding sequence and is predicted to lead to the omission of a critical region of the protein (PVS1_Moderate). ADA enzyme activity assay in E. coli S3834 showed 0.01% of wild-type activity for the p.Met1Arg variant, indicating severely reduced protein function consistent with loss of function (PS3_Moderate). In summary, this variant meets the criteria to be classified as uncertain significance for SCID based on the ACMG/AMP criteria applied, as specified by the ClinGen ClinGen SCID-VCEP: PM2_supporting, PVS1_moderate, PS3_moderate. (VCEP specifications version 2.1.0).

Labcorp Genetics (formerly Invitae), Labcorp
Classification: Pathogenic for Severe combined immunodeficiency, autosomal recessive, T cell-negative, B cell-negative, NK cell-negative, due to adenosine deaminase deficiency. Last evaluated: 2024-01-16. Review status: criteria provided, single submitter. Criteria: Invitae Variant Classification Sherloc (09022015). Collection method: clinical testing. Allele origin: germline. Not counted in ClinVar's aggregate classification.
Comment: This sequence change affects the initiator methionine of the ADA mRNA. The next in-frame methionine is located at codon 52. This variant is not present in population databases (gnomAD no frequency). Disruption of the initiator codon has been observed in individual(s) with primary immunodeficiency (PMID: 31681265). This variant disrupts a region of the ADA protein in which other variant(s) (p.His15Asp) have been determined to be pathogenic (PMID: 7599635, 26376800, 27129325). This suggests that this is a clinically significant region of the protein, and that variants that disrupt it are likely to be disease-causing. For these reasons, this variant has been classified as Pathogenic.

Literature cited by the submitters: PubMed 31681265 (cited by Labcorp Genetics (formerly Invitae), Labcorp); PubMed 7599635 (cited by Labcorp Genetics (formerly Invitae), Labcorp); PubMed 26376800 (cited by Labcorp Genetics (formerly Invitae), Labcorp); PubMed 27129325 (cited by Labcorp Genetics (formerly Invitae), Labcorp).

NM_000022.4(ADA):c.2T>G (p.Met1Arg)

Genes: ADA (adenosine deaminase; minus strand), LOC107303343 (adenosine deaminase intronic regulatory elements; plus strand). Cytogenetic location: 20q13.12.
Variant type: single nucleotide variant.
Coding change: c.2T>G on transcript NM_000022.4 (MANE Select); coding-DNA position 2, T replaced by G.
Protein change: p.Met1Arg; changes the start codon (methionine 1).
Molecular consequence: missense variant, initiator codon variant. On other transcripts: 5 prime UTR variant (1), non-coding transcript variant (1).
Genome position (GRCh38, 1-based): chr20:44,651,606, A>C on the plus strand (T>G on the coding strand, the complement: ADA is on the minus strand). VCF-style: chr20-44651606-A-C. GRCh37 (hg19) VCF-style: chr20-43280247-A-C.
Other names: NR_136160.2:n.94T>G; c.-288T>G (NM_001322050.2); c.2T>G, p.Met1Arg (NM_001322051.2); short protein forms M1R.
Identifiers: ClinVar variation 2709658 (VCV002709658.4), dbSNP rs1600956379, ClinGen allele CA409122633.